The following is an entry in ClinVar:

ClinVar aggregate classification (germline): Uncertain significance. Review status: criteria provided, multiple submitters, no conflicts (2 of 4 stars). 5 submissions from 5 submitters: Uncertain significance (5). Last evaluated 2025-07-24.

Conditions:
Familial hyperaldosteronism type II. Also called: FH II. Identifiers: Orphanet 404, MedGen C1854107, MONDO:0011576, OMIM 605635.
Leukoencephalopathy with mild cerebellar ataxia and white matter edema (LKPAT). Also called: CLCN2-Related Leukoencephalopathy; Leukoencephalopathy with ataxia; Leukoencephalopathy with white matter edema; Brain white matter edema. Identifiers: Orphanet 363540, MedGen C4554120, MONDO:0014292, OMIM 615651. Disease mechanism: loss of function.
Epilepsy, idiopathic generalized, susceptibility to, 11 (EIG11). Identifiers: Orphanet 307, MedGen C2750893, MONDO:0011875, OMIM 607628.

Allele frequency attached by ClinVar (database versions not stated): ESP Exome Variant Server 0.00008; gnomAD 0.00026 and 0.00027; TOPMed 0.00028.
gnomAD v4.1: 474 of 1,613,286 alleles (0.029%); highest among the groups gnomAD compares: Admixed American, 0.042%; 1 homozygote.

Submissions (5):

Labcorp Genetics (formerly Invitae), Labcorp
Classification: Uncertain significance. Last evaluated: 2025-07-24. Review status: criteria provided, single submitter. Criteria: Invitae Variant Classification Sherloc (09022015). Collection method: clinical testing. Allele origin: germline.
Comment: This sequence change replaces alanine, which is neutral and non-polar, with threonine, which is neutral and polar, at codon 545 of the CLCN2 protein (p.Ala545Thr). This variant is present in population databases (rs137978189, gnomAD 0.03%). This variant has not been reported in the literature in individuals affected with CLCN2-related conditions. ClinVar contains an entry for this variant (Variation ID: 1509136). Invitae Evidence Modeling of protein sequence and biophysical properties (such as structural, functional, and spatial information, amino acid conservation, physicochemical variation, residue mobility, and thermodynamic stability) indicates that this missense variant is expected to disrupt CLCN2 protein function with a positive predictive value of 80%. In summary, the available evidence is currently insufficient to determine the role of this variant in disease. Therefore, it has been classified as a Variant of Uncertain Significance.

Fulgent Genetics
Classification: Uncertain significance for Familial hyperaldosteronism type II; Epilepsy, idiopathic generalized, susceptibility to, 11; Leukoencephalopathy with mild cerebellar ataxia and white matter edema. Last evaluated: 2024-05-11. Review status: criteria provided, single submitter. Criteria: ACMG Guidelines, 2015. Collection method: clinical testing. Allele origin: germline.

CeGaT Center for Human Genetics Tuebingen
Classification: Uncertain significance. Last evaluated: 2022-07-01. Review status: criteria provided, single submitter. Criteria: CeGaT Center For Human Genetics Tuebingen Variant Classification Criteria Version 2. Collection method: clinical testing. Allele origin: germline. Affected: yes. Observed: 1 variant allele.
Comment: CLCN2: PP3

Laboratorio de Genetica e Diagnostico Molecular, Hospital Israelita Albert Einstein
Classification: Uncertain significance. Last evaluated: 2019-03-12. Review status: criteria provided, single submitter. Criteria: ACMG Guidelines, 2015. Collection method: clinical testing. Allele origin: germline. Affected: yes.
Comment: ACMG classification criteria: PM2, PP3

Breakthrough Genomics
Classification: Uncertain significance. Review status: criteria provided, single submitter. Criteria: ACMG Guidelines, 2015. Collection method: not provided. Allele origin: germline. Inheritance: Autosomal recessive inheritance. Affected: yes.

NM_004366.6(CLCN2):c.1633G>A (p.Ala545Thr)

Gene: CLCN2 (chloride voltage-gated channel 2; minus strand). Cytogenetic location: 3q27.1.
Variant type: single nucleotide variant.
Coding change: c.1633G>A on transcript NM_004366.6 (MANE Select); coding-DNA position 1633, G replaced by A.
Protein change: p.Ala545Thr; replaces alanine 545 with threonine.
Molecular consequence: missense variant.
Genome position (GRCh38, 1-based): chr3:184,354,189, C>T on the plus strand (G>A on the coding strand, the complement: CLCN2 is on the minus strand). VCF-style: chr3-184354189-C-T. GRCh37 (hg19) VCF-style: chr3-184071977-C-T.
Other names: c.1582G>A, p.Ala528Thr (NM_001171087.3); c.1501G>A, p.Ala501Thr (NM_001171088.3); c.1633G>A, p.Ala545Thr (NM_001171089.3); short protein forms A501T, A545T, A528T.
Identifiers: ClinVar variation 1509136 (VCV001509136.36), dbSNP rs137978189, ClinGen allele CA2734026.